The following is an entry in ClinVar:

ClinVar aggregate classification (germline): Uncertain significance (1 of 4 stars; one submission).

Conditions:
Cardiovascular phenotype. Identifiers: MedGen CN230736.

Submission:

Ambry Genetics
Classification: Uncertain significance for Cardiovascular phenotype. Last evaluated: 2022-04-22. Review status: criteria provided, single submitter. Criteria: Ambry Variant Classification Scheme 2023. Collection method: clinical testing. Allele origin: germline.
Comment: The p.I1704S variant (also known as c.5111T>G), located in coding exon 30 of the FLNC gene, results from a T to G substitution at nucleotide position 5111. The isoleucine at codon 1704 is replaced by serine, an amino acid with dissimilar properties. This amino acid position is conserved. In addition, this alteration is predicted to be deleterious by in silico analysis. Since supporting evidence is limited at this time, the clinical significance of this alteration remains unclear.

NM_001458.5(FLNC):c.5111T>G (p.Ile1704Ser)

Gene: FLNC (filamin C; plus strand). Cytogenetic location: 7q32.1.
Variant type: single nucleotide variant.
Coding change: c.5111T>G on transcript NM_001458.5 (MANE Select); coding-DNA position 5111, T replaced by G.
Protein change: p.Ile1704Ser; replaces isoleucine 1704 with serine.
Molecular consequence: missense variant.
Genome position (GRCh38, 1-based): chr7:128,849,490, T>G. VCF-style: chr7-128849490-T-G. GRCh37 (hg19) VCF-style: chr7-128489544-T-G.
Other names: c.5111T>G, p.Ile1704Ser (NM_001127487.2); short protein forms I1704S.
Identifiers: ClinVar variation 1745417 (VCV001745417.2), dbSNP rs752850659, ClinGen allele CA369204206.